The following is an entry in ClinVar:

NM_001458.5(FLNC):c.4926_4927insACGTCACA (p.Val1643fs)

Gene: FLNC (filamin C; plus strand). Cytogenetic location: 7q32.1.
Variant type: Insertion.
Coding change: c.4926_4927insACGTCACA on transcript NM_001458.5 (MANE Select); coding-DNA positions 4926 to 4927, ACGTCACA inserted.
Protein change: p.Val1643fs; shifts the reading frame from valine 1643.
Molecular consequence: frameshift variant.
Genome position: GRCh38 VCF-style: chr7-128848974-T-TCGTCACAA. GRCh37 (hg19) VCF-style: chr7-128489028-T-TCGTCACAA.
Other names: p.Val1643Thrfs*26; c.4926_4927insACGTCACA, p.Val1643fs (NM_001127487.2); short protein forms V1643fs.
Identifiers: ClinVar variation 478128 (VCV000478128.21), dbSNP rs1402879259, ClinGen allele CA457848858.
Genomic context (GRCh38, chr7:128,848,974, plus strand): 5'-AGATCCCCTACTCGCCCTTCCGCATCCATGCTCTGCCCACTGGGGATGCCAGCAAGTGCC[T>TCGTCACAA]CGTCACAGGTGGGTGCCCACCCGCTGCCCGTGCCCTGCTCACCACCCAGCCCCTCAAAGC-3'

ClinVar aggregate classification (germline): Pathogenic/Likely pathogenic. Review status: criteria provided, multiple submitters, no conflicts (2 of 4 stars). 6 submissions from 6 submitters: Pathogenic (4); Likely pathogenic (1). 1 of the submissions does not count toward it. Last evaluated 2026-04-01.

Conditions:
Myofibrillar myopathy 5. Also called: Filaminopathy (type); FILAMINOPATHY, AUTOSOMAL DOMINANT. Identifiers: Orphanet 171445, MedGen C1836050, MONDO:0012289, OMIM 609524.
Hypertrophic cardiomyopathy 26. Also called: Cardiomyopathy, familial hypertrophic, 26. Identifiers: Orphanet 75249, MedGen C4310749, MONDO:0014883, OMIM 617047.
Distal myopathy with posterior leg and anterior hand involvement. Also called: WILLIAMS DISTAL MYOPATHY. Identifiers: Orphanet 63273, MedGen C3279722, MONDO:0013550, OMIM 614065.
FLNC-related disorder. Also called: FLNC-related condition; FLNC-related disorders.
Cardiovascular phenotype. Identifiers: MedGen CN230736.
Primary dilated cardiomyopathy (DCM). Also called: Dilated Cardiomyopathy. Identifiers: Orphanet 217604, MedGen C0007193, MeSH D002311, MONDO:0005021, HP:0001644. Inheritance: Various modes of inheritance.

Submissions (6):

GeneDx
Classification: Likely pathogenic. Last evaluated: 2026-04-01. Review status: criteria provided, single submitter. Criteria: GeneDx Variant Classification Process June 2021. Collection method: clinical testing. Allele origin: germline.
Comment: Identified in patients with DCM, peripartum cardiomyopathy, and sudden cardiac death (SCD) in published literature (PMID: 36578016, 33874732, 32160020, 38116480); Identified as a maternally-inherited variant in two siblings with severe, early-onset DCM who also have a paternally-inherited frameshift variant in the TTN gene (PMID: 32603605); Frameshift variant predicted to result in protein truncation or nonsense mediated decay in a gene for which loss of function is a known mechanism of disease; Not observed at significant frequency in large population cohorts (gnomAD); This variant is associated with the following publications: (PMID: 32160020, 35699965, 40275589, 32603605, 33874732, 38116480, 36578016, DabbaghG2023[Abstract], 36129056, 41374444)

PreventionGenetics, part of Exact Sciences
Classification: Pathogenic for FLNC-related condition. Last evaluated: 2026-01-11. Review status: criteria provided, single submitter. Criteria: ACMG Guidelines, 2015. Collection method: clinical testing. Allele origin: germline.
Comment: The FLNC c.4926_4927insACGTCACA variant is predicted to result in a frameshift and premature protein termination (p.Val1643Thrfs*26). This variant has been reported in individuals with dilated or peripartum cardiomyopathy (Table S2, Goli et al. 2021. PubMed ID: 33874732; Table S2, Stafford et al. 2022. PubMed ID: 36578016; Cowan et al. 2020. PubMed ID: 32603605). This variant is reported in 0.00092% of alleles in individuals of European (Non-Finnish) descent in gnomAD. Frameshift variants in FLNC are expected to be pathogenic. This variant is interpreted as pathogenic.

Labcorp Genetics (formerly Invitae), Labcorp
Classification: Pathogenic for Distal myopathy with posterior leg and anterior hand involvement; Myofibrillar myopathy 5; Hypertrophic cardiomyopathy 26. Last evaluated: 2025-12-31. Review status: criteria provided, single submitter. Criteria: Invitae Variant Classification Sherloc (09022015). Collection method: clinical testing. Allele origin: germline.
Comment: This sequence change creates a premature translational stop signal (p.Val1643Thrfs*26) in the FLNC gene. It is expected to result in an absent or disrupted protein product. Loss-of-function variants in FLNC are known to be pathogenic (PMID: 27908349). This variant is present in population databases (no rsID available, gnomAD 0.0009%). This variant has not been reported in the literature in individuals affected with FLNC-related conditions. ClinVar contains an entry for this variant (Variation ID: 478128). For these reasons, this variant has been classified as Pathogenic.

Mayo Clinic Laboratories, Mayo Clinic
Classification: Pathogenic. Last evaluated: 2024-05-20. Review status: criteria provided, single submitter. Criteria: ACMG Guidelines, 2015. Collection method: clinical testing. Allele origin: germline. Observed: 1 variant allele.
Comment: PS4_moderate, PVS1

Ambry Genetics
Classification: Pathogenic for Cardiovascular phenotype. Last evaluated: 2023-11-20. Review status: criteria provided, single submitter. Criteria: Ambry Variant Classification Scheme 2023. Collection method: clinical testing. Allele origin: germline.
Comment: The c.4926_4927insACGTCACA pathogenic mutation, located in coding exon 28 of the FLNC gene, results from an insertion of 8 nucleotides at position 4926, causing a translational frameshift with a predicted alternate stop codon (p.V1643Tfs*26). This mutation was reported in a dilated cardiomyopathy (DCM) cohort with limited clinical details provided (Morales A et al. Circ: Genom Precis Med. 2020 04;13:e002480). This variant is considered to be rare based on population cohorts in the Genome Aggregation Database (gnomAD). Based on the supporting evidence, this variant is expected to be causative of FLNC-related dilated cardiomyopathy; however, its clinical significance for FLNC-related hypertrophy/restrictive cardiomyopathy and/or skeletal myopathy is unclear.

University of Washington Center for Mendelian Genomics, University of Washington
Classification: Likely pathogenic for dilated cardiomyopathy. Review status: no assertion criteria provided. Collection method: research. Allele origin: inherited. Affected: yes. Not counted in ClinVar's aggregate classification.

Literature cited by the submitters: PubMed 27908349 (cited by Labcorp Genetics (formerly Invitae), Labcorp); PubMed 32160020 (cited by Mayo Clinic Laboratories, Mayo Clinic and Ambry Genetics); PubMed 32603605 (cited by Mayo Clinic Laboratories, Mayo Clinic and University of Washington Center for Mendelian Genomics, University of Washington); PubMed 33874732 (cited by Mayo Clinic Laboratories, Mayo Clinic); PubMed 36129056 (cited by Mayo Clinic Laboratories, Mayo Clinic); PubMed 36578016 (cited by Mayo Clinic Laboratories, Mayo Clinic); PubMed 38116480 (cited by Mayo Clinic Laboratories, Mayo Clinic).